The following is an entry in ClinVar:

NM_016169.4(SUFU):c.1319T>C (p.Val440Ala)

Gene: SUFU (SUFU negative regulator of hedgehog signaling; plus strand). Cytogenetic location: 10q24.32.
Variant type: single nucleotide variant.
Coding change: c.1319T>C on transcript NM_016169.4 (MANE Select); coding-DNA position 1319, T replaced by C.
Protein change: p.Val440Ala; replaces valine 440 with alanine.
Molecular consequence: missense variant.
Genome position (GRCh38, 1-based): chr10:102,627,197, T>C. VCF-style: chr10-102627197-T-C. GRCh37 (hg19) VCF-style: chr10-104386954-T-C.
Other names: c.1319T>C (NM_016169.3); short protein forms V440A.
Identifiers: ClinVar variation 1404124 (VCV001404124.7), dbSNP rs2135954241, ClinGen allele CA377918767.
Genomic context (GRCh38, chr10:102,627,197, plus strand): 5'-TAAAAATAATAATAAAAGCCTGCCTTGTGCCTTCACAGATTCTGTTGACCGAAGAGTTTG[T>C]AGAGAAAATGTTGGAGGATTTAGAAGATTTGACTTCTCCAGAGGAAGTAAGCTTGTTTGA-3'
Protein context (NP_057253.2, residues 430-450): WLQILLTEEF[Val440Ala]EKMLEDLEDL

ClinVar aggregate classification (germline): Uncertain significance. Review status: criteria provided, multiple submitters, no conflicts (2 of 4 stars). 2 submissions from 2 submitters: Uncertain significance (2). Last evaluated 2023-12-22.

Conditions:
Gorlin syndrome. Also called: Nevoid Basal Cell Carcinoma Syndrome; Basal cell nevus syndrome. Identifiers: Orphanet 377, MedGen C0004779, MONDO:0007187.
Medulloblastoma (MDB). Also called: Medulloblastoma, somatic; MEDULLOBLASTOMA PREDISPOSITION SYNDROME. Identifiers: Orphanet 616, MedGen C0025149, MeSH D008527, MONDO:0007959, OMIM 155255, HP:0002885.
Hereditary cancer-predisposing syndrome. Also called: Neoplastic Syndromes, Hereditary; Hereditary neoplastic syndrome; Hereditary Cancer Syndrome; Tumor predisposition. Identifiers: Orphanet 140162, MedGen C0027672, MeSH D009386, MONDO:0015356.

Submissions (2):

Ambry Genetics
Classification: Uncertain significance for Hereditary cancer-predisposing syndrome. Last evaluated: 2023-12-22. Review status: criteria provided, single submitter. Criteria: Ambry Variant Classification Scheme 2023. Collection method: clinical testing. Allele origin: germline.
Comment: The p.V440A variant (also known as c.1319T>C), located in coding exon 11 of the SUFU gene, results from a T to C substitution at nucleotide position 1319. The valine at codon 440 is replaced by alanine, an amino acid with similar properties. This amino acid position is conserved. In addition, the in silico prediction for this alteration is inconclusive. Since supporting evidence is limited at this time, the clinical significance of this alteration remains unclear.

Labcorp Genetics (formerly Invitae), Labcorp
Classification: Uncertain significance for Gorlin syndrome; Medulloblastoma. Last evaluated: 2023-11-10. Review status: criteria provided, single submitter. Criteria: Invitae Variant Classification Sherloc (09022015). Collection method: clinical testing. Allele origin: germline.
Comment: This sequence change replaces valine, which is neutral and non-polar, with alanine, which is neutral and non-polar, at codon 440 of the SUFU protein (p.Val440Ala). This variant is not present in population databases (gnomAD no frequency). This variant has not been reported in the literature in individuals affected with SUFU-related conditions. ClinVar contains an entry for this variant (Variation ID: 1404124). Advanced modeling of protein sequence and biophysical properties (such as structural, functional, and spatial information, amino acid conservation, physicochemical variation, residue mobility, and thermodynamic stability) performed at Invitae indicates that this missense variant is not expected to disrupt SUFU protein function with a negative predictive value of 80%. In summary, the available evidence is currently insufficient to determine the role of this variant in disease. Therefore, it has been classified as a Variant of Uncertain Significance.